The following is an entry in ClinVar:

NM_014141.6(CNTNAP2):c.3005A>T (p.Asn1002Ile)

Genes: CNTNAP2 (contactin associated protein 2; plus strand), LOC126860216 (BRD4-independent group 4 enhancer GRCh37_chr7:147868766-147869965; plus strand). Cytogenetic location: 7q35.
Variant type: single nucleotide variant.
Coding change: c.3005A>T on transcript NM_014141.6 (MANE Select); coding-DNA position 3005, A replaced by T.
Protein change: p.Asn1002Ile; replaces asparagine 1002 with isoleucine.
Molecular consequence: missense variant.
Genome position (GRCh38, 1-based): chr7:148,172,473, A>T. VCF-style: chr7-148172473-A-T. GRCh37 (hg19) VCF-style: chr7-147869565-A-T.
Other names: short protein forms N1002I.
Identifiers: ClinVar variation 1365819 (VCV001365819.8), dbSNP rs1227937536, ClinGen allele CA369928808.

ClinVar aggregate classification (germline): Uncertain significance (1 of 4 stars; one submission).

Conditions:
Cortical dysplasia-focal epilepsy syndrome (PTHSL1). Also called: Pitt-Hopkins-like syndrome 1. Identifiers: Orphanet 163681, Orphanet 221150, MedGen C2750246, MONDO:0012400, OMIM 610042.

Allele frequency attached by ClinVar (database versions not stated): gnomAD 0.00001 and 0.00002; TOPMed 0.00001.
gnomAD v4.1: 2 of 1,613,928 alleles (0.00012%); highest among the groups gnomAD compares: African/African-American, 0.0027%; no homozygotes.

Submission:

Labcorp Genetics (formerly Invitae), Labcorp
Classification: Uncertain significance for Cortical dysplasia-focal epilepsy syndrome. Last evaluated: 2024-11-11. Review status: criteria provided, single submitter. Criteria: Invitae Variant Classification Sherloc (09022015). Collection method: clinical testing. Allele origin: germline.
Comment: This sequence change replaces asparagine, which is neutral and polar, with isoleucine, which is neutral and non-polar, at codon 1002 of the CNTNAP2 protein (p.Asn1002Ile). This variant is not present in population databases (gnomAD no frequency). This variant has not been reported in the literature in individuals affected with CNTNAP2-related conditions. ClinVar contains an entry for this variant (Variation ID: 1365819). An algorithm developed to predict the effect of missense changes on protein structure and function outputs the following: PolyPhen-2: "Benign". The isoleucine amino acid residue is found in multiple mammalian species, which suggests that this missense change does not adversely affect protein function. In summary, the available evidence is currently insufficient to determine the role of this variant in disease. Therefore, it has been classified as a Variant of Uncertain Significance.